The following continues an entry in ClinVar:

NM_007294.4(BRCA1):c.5177_5180del (p.Arg1726fs)

Gene: BRCA1. ClinVar aggregate classification (germline): Pathogenic. Pathogenic (1).

Submissions 10 to 23 of 37:

All of Us Research Program, National Institutes of Health
Classification: Pathogenic for Breast-ovarian cancer, familial, susceptibility to, 1. Last evaluated: 2023-11-10. Review status: criteria provided, single submitter. Criteria: ACMG Guidelines, 2015. Collection method: clinical testing. Allele origin: germline. Inheritance: Autosomal dominant inheritance. Observed: 1 variant allele, 1 heterozygote. Not counted in ClinVar's aggregate classification.
Comment: This variant deletes 4 nucleotides in exon 18 of the BRCA1 gene, creating a frameshift and premature translation stop signal. This variant is expected to result in an absent or non-functional protein product. This variant is also known as 5296del4 based on Breast Cancer Information Core (BIC) nomenclature. This variant has been reported in multiple individuals affected with breast and/or ovarian cancer, as well as individuals from hereditary breast and ovarian cancer families (PMID: 18042939, 22923021, 23397983, 24504028, 26287763, 27425403, 27469594, 28008555, 28324225, 29907814, 33606809, 34717758). In a large breast cancer case-control study, this variant has been observed in 17/60449 cases and 6/53455 controls (PMID: 33471991). This variant has also been identified in 2/251090 chromosomes in the general population by the Genome Aggregation Database (gnomAD). Loss of BRCA1 function is a known mechanism of disease. Based on the available evidence, this variant is classified as Pathogenic.

This study involves interpretation of variants in research participants for the purpose of population health screening. Participant phenotype was not available at the time of variant classification. Additional details can be found in publication PMID: 35346344, PMCID: PMC8962531

Mayo Clinic Laboratories, Mayo Clinic
Classification: Pathogenic. Last evaluated: 2023-09-18. Review status: criteria provided, single submitter. Criteria: ACMG Guidelines, 2015. Collection method: clinical testing. Allele origin: germline. Observed: 1 variant allele. Not counted in ClinVar's aggregate classification.
Comment: PM5_strong, PVS1

Quest Diagnostics Nichols Institute San Juan Capistrano
Classification: Pathogenic. Last evaluated: 2023-06-28. Review status: criteria provided, single submitter. Criteria: Quest Diagnostics criteria. Collection method: clinical testing. Allele origin: unknown. Not counted in ClinVar's aggregate classification.
Comment: The BRCA1 c.5177_5180del (p.Arg1726Lysfs*3) variant alters the translational reading frame of the BRCA1 mRNA and causes the premature termination of BRCA1 protein synthesis. This variant has been reported in the published literature in individuals/families with breast and/or ovarian cancer (PMID: 34717758 (2021), 33646313 (2021), 32772980 (2020), 26287763 (2015), 25452441 (2015), 24504028 (2014), 23397983 (2014), 22923021 (2012)), including male breast cancer (PMID: 28008555 (2017)), as well as an individual unaffected by cancer (PMID: 27831900 (2016)). The frequency of this variant in the general population, 0.000008 (2/251090 chromosomes (Genome Aggregation Database)), is consistent with pathogenicity. Based on the available information, this variant is classified as pathogenic.

Institute of Human Genetics, University of Leipzig Medical Center
Classification: Pathogenic for Breast-ovarian cancer, familial, susceptibility to, 1. Last evaluated: 2023-06-12. Review status: criteria provided, single submitter. Criteria: ACMG Guidelines, 2015. Collection method: clinical testing. Allele origin: unknown. Inheritance: Autosomal dominant inheritance. Affected: yes. Not counted in ClinVar's aggregate classification.
Comment: Criteria applied: PVS1,PS4_MOD,PM2_SUP

Institute for Genomic Medicine (IGM) Clinical Laboratory, Nationwide Children's Hospital
Classification: Pathogenic for Hereditary cancer-predisposing syndrome. Last evaluated: 2023-03-01. Review status: criteria provided, single submitter. Criteria: ACMG Guidelines, 2015. Collection method: clinical testing. Allele origin: germline. Not counted in ClinVar's aggregate classification.
Comment: This variant is predicted to result in loss of function through nonsense-mediated decay of the encoded transcript or premature truncation of the encoded protein in a gene in which loss of function is a known mechanism of disease (ACMG/AMP: PVS1; PMIDs:20104584, 26515461, 29133208, 35236825). This variant has been reported at an elevated frequency in affected individuals/in multiple affected individuals in the literature (ACMG/AMP: PS4; PMIDs:9150171, 16912212, 18042939, 22333603, 22923021, 24504028, 25556971, 35464868). This variant is absent from or present at an exceedingly low frequency in gnomAD, a large-scale control population database (ACMG/AMP: PM2).

Department of Pathology and Laboratory Medicine, Sinai Health System
Classification: Pathogenic for Familial cancer of breast; Breast-ovarian cancer, familial, susceptibility to, 1; Fanconi anemia, complementation group S. Last evaluated: 2022-06-08. Review status: criteria provided, single submitter. Criteria: ACMG Guidelines, 2015. Collection method: clinical testing. Allele origin: germline. Affected: yes. Not counted in ClinVar's aggregate classification.

Revvity Omics, Revvity
Classification: Pathogenic. Last evaluated: 2022-04-18. Review status: criteria provided, single submitter. Criteria: ACMG Guidelines, 2015. Collection method: clinical testing. Allele origin: germline. Not counted in ClinVar's aggregate classification.

Dasa
Classification: Pathogenic for Breast-ovarian cancer, familial, susceptibility to, 1. Last evaluated: 2022-03-05. Review status: criteria provided, single submitter. Criteria: ACMG Guidelines, 2015. Collection method: clinical testing. Allele origin: germline. Affected: yes. Observed: 1 variant allele. Not counted in ClinVar's aggregate classification.
Comment: The c.5177_5180del ;p.(Arg1726Lysfs*3) is a null frameshift variant (NMD) in the BRCA1 gene and predicts alteration of the nonsense-mediate decay - NMD is present in a relevant exon to the transcript - PVS1. This sequence change has been observed in affected individual(s) and ClinVar contains an entry for this variant (ClinVar ID: 37644; PMID: 9150171; PMID: 22923021; PMID: 23397983; PMID: 24504028; PMID: 26287763; PMID: 27831900)PS4. The variant is present at low allele frequencies population databases (rs80357867 – gnomAD 0.00006572%; ABraOM no frequency.) - PM2_supporting. In summary, the currently available evidence indicates that the variant is pathogenic.

National Health Laboratory Service, Universitas Academic Hospital and University of the Free State
Classification: Pathogenic for Hereditary breast ovarian cancer syndrome. Last evaluated: 2021-11-16. Review status: criteria provided, single submitter. Criteria: ACMG Guidelines, 2015. Collection method: clinical testing. Allele origin: germline. Affected: yes. Observed: 1 variant allele. Not counted in ClinVar's aggregate classification.

Laboratory for Molecular Medicine, Mass General Brigham Personalized Medicine
Classification: Pathogenic for Hereditary breast ovarian cancer syndrome. Last evaluated: 2021-07-15. Review status: criteria provided, single submitter. Criteria: ACMG Guidelines, 2015. Collection method: clinical testing. Allele origin: germline. Inheritance: Autosomal dominant inheritance. Not counted in ClinVar's aggregate classification.
Comment: The p.Arg1726LysfsX3 variant in BRCA1 has been reported in >30 individuals with BRCA1-associated cancers (Gao 1997 PMID:9150171, Cunningham 2014 PMID:24504028, Stegel 2011 PMID:21232165, Trujillano 2015 PMID:25556971, Breast Cancer Information Core (BIC) database). It has also been identified in 0.002% (1/41446) of African/African American chromosomes by gnomAD (v.3.1). This frequency is low enough to be consistent with the frequency of hereditary breast and ovarian cancer (HBOC) in the general population. This variant is predicted to cause a frameshift, which alters the protein’s amino acid sequence beginning at position 1726 and leads to a premature termination codon 3 amino acids downstream. This alteration is then predicted to lead to a truncated or absent protein. Heterozygous loss of function of the BRCA1 gene is an established disease mechanism in hereditary breast and ovarian cancer (HBOC). Additionally, this variant was classified as pathogenic on Sept 8, 2016 by the ClinGen-approved ENIGMA expert panel (Variant ID 37644). In summary, this variant meets criteria to be classified as pathogenic for HBOC in an autosomal dominant manner. ACMG/AMP Criteria applied: PS4, PM2_Supporting, PVS1.

Institute of Medical Genetics and Applied Genomics, University Hospital Tübingen
Classification: Pathogenic. Last evaluated: 2020-10-23. Review status: criteria provided, single submitter. Criteria: ACMG Guidelines, 2015. Collection method: clinical testing. Allele origin: germline. Inheritance: Autosomal unknown. Affected: yes. Not counted in ClinVar's aggregate classification.

CeGaT Center for Human Genetics Tuebingen
Classification: Pathogenic. Last evaluated: 2020-10-01. Review status: criteria provided, single submitter. Criteria: CeGaT Center For Human Genetics Tuebingen Variant Classification Criteria Version 2. Collection method: clinical testing. Allele origin: germline. Affected: yes. Observed: 1 variant allele. Not counted in ClinVar's aggregate classification.

GeneDx
Classification: Pathogenic. Last evaluated: 2020-08-18. Review status: criteria provided, single submitter. Criteria: GeneDx Variant Classification Process June 2021. Collection method: clinical testing. Allele origin: germline. Affected: yes. Not counted in ClinVar's aggregate classification.
Comment: Frameshift variant predicted to result in protein truncation or nonsense mediated decay in a gene for which loss-of-function is a known mechanism of disease; Observed in several individuals and families with breast and/or ovarian cancer (Gao 1997, Tai 2007, Song 2014, Pal 2015, Ewald 2016); Truncating variants in this gene are considered pathogenic by a well-established clinical consortium and/or database; Not observed at a significant frequency in large population cohorts (Lek 2016); Also known as 5296_5299delGAAA; This variant is associated with the following publications: (PMID: 25452441, 24504028, 9150171, 21232165, 24728189, 16234499, 25330149, 9667259, 26287763, 27469594, 25556971, 26843898, 22923021, 25085752, 23397983, 27303907, 28008555, 28127413, 28785956, 27831900, 28324225, 18042939, 27425403, 29907814, 29161300, 30322717, 26848151, 31447099)

Department of Molecular Diagnostics, Institute of Oncology Ljubljana
Classification: Pathogenic for Breast-ovarian cancer, familial, susceptibility to, 1. Last evaluated: 2020-04-02. Review status: criteria provided, single submitter. Criteria: ACMG Guidelines, 2015. Collection method: clinical testing. Allele origin: germline. Affected: yes. Not counted in ClinVar's aggregate classification.